The following is an entry in ClinVar:

ClinVar aggregate classification (germline): Uncertain significance. Review status: criteria provided, multiple submitters, no conflicts (2 of 4 stars). 2 submissions from 2 submitters: Uncertain significance (2). Last evaluated 2025-08-09.

Conditions:
Inborn genetic diseases. Identifiers: MedGen C0950123, MeSH D030342.

gnomAD v4.1: 3 of 1,613,930 alleles (0.00019%); highest among the groups gnomAD compares: Admixed American, 0.0033%; no homozygotes.

Submissions (2):

Ambry Genetics
Classification: Uncertain significance for Inborn genetic diseases. Last evaluated: 2025-08-09. Review status: criteria provided, single submitter. Criteria: Ambry Variant Classification Scheme 2023. Collection method: clinical testing. Allele origin: germline.

GeneDx
Classification: Uncertain significance. Last evaluated: 2023-07-28. Review status: criteria provided, single submitter. Criteria: GeneDx Variant Classification Process June 2021. Collection method: clinical testing. Allele origin: germline. Affected: yes.
Comment: In silico analysis supports that this missense variant has a deleterious effect on protein structure/function; Has not been previously published as pathogenic or benign to our knowledge

NM_000552.5(VWF):c.1097A>G (p.Asp366Gly)

Gene: VWF (von Willebrand factor; minus strand). Cytogenetic location: 12p13.31.
Variant type: single nucleotide variant.
Coding change: c.1097A>G on transcript NM_000552.5 (MANE Select); coding-DNA position 1097, A replaced by G.
Protein change: p.Asp366Gly; replaces aspartic acid 366 with glycine.
Molecular consequence: missense variant.
Genome position (GRCh38, 1-based): chr12:6,072,343, T>C on the plus strand (A>G on the coding strand, the complement: VWF is on the minus strand). VCF-style: chr12-6072343-T-C. GRCh37 (hg19) VCF-style: chr12-6181509-T-C.
Other names: short protein forms D366G.
Identifiers: ClinVar variation 3361541 (VCV003361541.2).
Genomic context (GRCh38, chr12:6,072,343, plus strand): 5'-CAGTCCCCCAGGCAGGTCTCCCAGAGCACGCTGCGCAGCCCCCATTACCAGGTGTTGCAG[T>C]CTCGAGAGAGGGAGGTGCCGGGAGGGTAGCGCTTTCCGGAATGCACGCAGGGACACTCGG-3'
Protein context (NP_000543.3, residues 356-376): RYPPGTSLSR[Asp366Gly]CNTCICRNSQ